The following is an entry in ClinVar:

ClinVar aggregate classification (germline): Pathogenic (1 of 4 stars; one submission).

Conditions:
Hereditary spastic paraplegia 15 (SPG15). Also called: SPASTIC PARAPLEGIA 15, AUTOSOMAL RECESSIVE; KJELLIN SYNDROME; SPASTIC PARAPLEGIA AND RETINAL DEGENERATION. Identifiers: Orphanet 100996, MedGen C1849128, MONDO:0010044, OMIM 270700.

Submission:

Myriad Genetics, Inc.
Classification: Pathogenic for Hereditary spastic paraplegia 15. Last evaluated: 2023-09-03. Review status: criteria provided, single submitter. Criteria: Myriad Autosomal Dominant, Autosomal Recessive and X-Linked Classification Criteria (2023). Collection method: clinical testing. Allele origin: unknown.
Comment: NM_015346.3(ZFYVE26):c.626C>A(S209*) is expected to be pathogenic in the context of spastic paraplegia type 15. This variant is predicted to lead to an abnormal or absent protein product due to the creation of a premature termination codon in ZFYVE26, a gene where loss-of-function variants are known to be pathogenic. Please note: this variant was assessed in the context of healthy population screening.

NM_015346.4(ZFYVE26):c.626C>A (p.Ser209Ter)

Gene: ZFYVE26 (zinc finger FYVE-type containing 26; minus strand). Cytogenetic location: 14q24.1.
Variant type: single nucleotide variant.
Coding change: c.626C>A on transcript NM_015346.4 (MANE Select); coding-DNA position 626, C replaced by A.
Protein change: p.Ser209Ter; replaces serine 209 with a stop codon.
Molecular consequence: nonsense.
Genome position (GRCh38, 1-based): chr14:67,807,658, G>T on the plus strand (C>A on the coding strand, the complement: ZFYVE26 is on the minus strand). VCF-style: chr14-67807658-G-T. GRCh37 (hg19) VCF-style: chr14-68274375-G-T.
Other names: short protein forms S209*.
Identifiers: ClinVar variation 5011549 (VCV005011549.1).
Genomic context (GRCh38, chr14:67,807,658, plus strand): 5'-GCGGGGCAACGCAGAGTCCGCAGGGCTCCATAGATGGCATCGACTACCCCAGGGGGCACC[G>T]AATCAGGGCCCTGCAAAGCCCGCAATGCCTTTCGAATGAGGTCCACCAGTGCATTCTGCA-3'